The following is an entry in ClinVar:

ClinVar aggregate classification (germline): Uncertain significance. Review status: criteria provided, multiple submitters, no conflicts (2 of 4 stars). 2 submissions from 2 submitters: Uncertain significance (2). Last evaluated 2022-02-10.

Allele frequency attached by ClinVar (database versions not stated): gnomAD exomes 0.00001; TOPMed 0.00001; ExAC 0.00002; gnomAD 0.00002 and 0.00001; 1000 Genomes Project 30x 0.00016; 1000 Genomes Project 0.00020.
gnomAD v4.1: 8 of 1,614,196 alleles (0.0005%); highest among the groups gnomAD compares: African/African-American, 0.0027%; no homozygotes.

Submissions (2):

Labcorp Genetics (formerly Invitae), Labcorp
Classification: Uncertain significance. Last evaluated: 2022-02-10. Review status: criteria provided, single submitter. Criteria: Invitae Variant Classification Sherloc (09022015). Collection method: clinical testing. Allele origin: germline.
Comment: This sequence change replaces arginine, which is basic and polar, with glutamine, which is neutral and polar, at codon 433 of the ADAMTS17 protein (p.Arg433Gln). This variant is present in population databases (rs553814602, gnomAD 0.007%). This variant has not been reported in the literature in individuals affected with ADAMTS17-related conditions. ClinVar contains an entry for this variant (Variation ID: 1313460). Algorithms developed to predict the effect of missense changes on protein structure and function are either unavailable or do not agree on the potential impact of this missense change (SIFT: "Not Available"; PolyPhen-2: "Benign"; Align-GVGD: "Not Available"). In summary, the available evidence is currently insufficient to determine the role of this variant in disease. Therefore, it has been classified as a Variant of Uncertain Significance.

GeneDx
Classification: Uncertain significance. Last evaluated: 2020-10-27. Review status: criteria provided, single submitter. Criteria: GeneDx Variant Classification Process June 2021. Collection method: clinical testing. Allele origin: germline. Affected: yes.
Comment: Not observed at a significant frequency in large population cohorts (Lek et al., 2016); In silico analysis supports that this missense variant has a deleterious effect on protein structure/function; Has not been previously published as pathogenic or benign to our knowledge

NM_139057.4(ADAMTS17):c.1298G>A (p.Arg433Gln)

Gene: ADAMTS17 (ADAM metallopeptidase with thrombospondin type 1 motif 17; minus strand). Cytogenetic location: 15q26.3.
Variant type: single nucleotide variant.
Coding change: c.1298G>A on transcript NM_139057.4 (MANE Select); coding-DNA position 1298, G replaced by A.
Protein change: p.Arg433Gln; replaces arginine 433 with glutamine.
Molecular consequence: missense variant.
Genome position (GRCh38, 1-based): chr15:100,155,204, C>T on the plus strand (G>A on the coding strand, the complement: ADAMTS17 is on the minus strand). VCF-style: chr15-100155204-C-T. GRCh37 (hg19) VCF-style: chr15-100695409-C-T.
Other names: short protein forms R433Q.
Identifiers: ClinVar variation 1313460 (VCV001313460.3), dbSNP rs553814602, ClinGen allele CA7758315.
Genomic context (GRCh38, chr15:100,155,204, plus strand): 5'-ATTGCATTCATCCTATAGAATAATTCCAGGACTTACTTGAGGAAGTTTTCAAGGTCATCT[C>T]GGCTGCAGGAGGACCAAGAGAGGTCACTTGGGTTCCGGCCTTTCACCCACTCTCCTGACA-3'
Protein context (NP_620688.2, residues 423-443): PSDLSWSSCS[Arg433Gln]DDLENFLKSK